The following is an entry in ClinVar:

ClinVar aggregate classification (germline): Uncertain significance (1 of 4 stars; one submission).

Allele frequency attached by ClinVar (database versions not stated): gnomAD 0.00001; gnomAD exomes 0.00001 and 0.00003; ExAC 0.00002; TOPMed 0.00002; 1000 Genomes Project 30x 0.00016; 1000 Genomes Project 0.00020.

Submission:

Labcorp Genetics (formerly Invitae), Labcorp
Classification: Uncertain significance. Last evaluated: 2022-08-15. Review status: criteria provided, single submitter. Criteria: Invitae Variant Classification Sherloc (09022015). Collection method: clinical testing. Allele origin: germline.
Comment: This sequence change replaces proline, which is neutral and non-polar, with leucine, which is neutral and non-polar, at codon 291 of the EFL1 protein (p.Pro291Leu). This variant is present in population databases (rs568955225, gnomAD 0.04%). This variant has not been reported in the literature in individuals affected with EFL1-related conditions. ClinVar contains an entry for this variant (Variation ID: 1502196). Algorithms developed to predict the effect of missense changes on protein structure and function are either unavailable or do not agree on the potential impact of this missense change (SIFT: "Tolerated"; PolyPhen-2: "Probably Damaging"; Align-GVGD: "Class C0"). In summary, the available evidence is currently insufficient to determine the role of this variant in disease. Therefore, it has been classified as a Variant of Uncertain Significance.

NM_024580.6(EFL1):c.872C>T (p.Pro291Leu)

Gene: EFL1 (elongation factor like GTPase 1; minus strand). Cytogenetic location: 15q25.2.
Variant type: single nucleotide variant.
Coding change: c.872C>T on transcript NM_024580.6 (MANE Select); coding-DNA position 872, C replaced by T.
Protein change: p.Pro291Leu; replaces proline 291 with leucine.
Molecular consequence: missense variant. On other transcripts: non-coding transcript variant (1).
Genome position (GRCh38, 1-based): chr15:82,229,094, G>A on the plus strand (C>T on the coding strand, the complement: EFL1 is on the minus strand). VCF-style: chr15-82229094-G-A. GRCh37 (hg19) VCF-style: chr15-82521435-G-A.
Other names: c.719C>T, p.Pro240Leu (NM_001040610.3); c.83C>T, p.Pro28Leu (NM_001322844.2); c.872C>T, p.Pro291Leu (NM_001322845.2); short protein forms P240L, P28L, P291L.
Identifiers: ClinVar variation 1502196 (VCV001502196.5), dbSNP rs568955225, ClinGen allele CA7698160.
Genomic context (GRCh38, chr15:82,229,094, plus strand): 5'-TTTTTCAAAACAGCATCATACAAACTCCATATATTTTCCAGGATCAACTGTACAAATAAA[G>A]GTTTCTTTCCTTTGGCCTGTACAAAAGAACATACGGGCTTAAGTTCCTGAACATTTAATA-3'
Protein context (NP_078856.4, residues 281-301): MKGDQAKGKK[Pro291Leu]LFVQLILENI